The following is an entry in ClinVar:

ClinVar aggregate classification (germline): Uncertain significance (1 of 4 stars; one submission).

Conditions:
Inborn genetic diseases. Identifiers: MedGen C0950123, MeSH D030342.

Submission:

Ambry Genetics
Classification: Uncertain significance for Inborn genetic diseases. Last evaluated: 2025-04-04. Review status: criteria provided, single submitter. Criteria: Ambry Variant Classification Scheme 2023. Collection method: clinical testing. Allele origin: germline.
Comment: The p.K533N variant (also known as c.1599A>C), located in coding exon 7 of the MBD4 gene, results from an A to C substitution at nucleotide position 1599. The lysine at codon 533 is replaced by asparagine, an amino acid with similar properties. This amino acid position is conserved. In addition, this alteration is predicted to be tolerated by in silico analysis. Based on the available evidence, the clinical significance of this variant remains unclear.

NM_001276270.2(MBD4):c.1599A>C (p.Lys533Asn)

Gene: MBD4 (methyl-CpG binding domain 4, DNA glycosylase; minus strand). Cytogenetic location: 3q21.3.
Variant type: single nucleotide variant.
Coding change: c.1599A>C on transcript NM_001276270.2 (MANE Select); coding-DNA position 1599, A replaced by C.
Protein change: p.Lys533Asn; replaces lysine 533 with asparagine.
Molecular consequence: missense variant. On other transcripts: intron variant (1).
Genome position (GRCh38, 1-based): chr3:129,432,551, T>G on the plus strand (A>C on the coding strand, the complement: MBD4 is on the minus strand). VCF-style: chr3-129432551-T-G. GRCh37 (hg19) VCF-style: chr3-129151394-T-G.
Other names: c.1617A>C, p.Lys539Asn (NM_001276271.2, NM_003925.3); c.663A>C, p.Lys221Asn (NM_001276273.2); c.1612+5A>C (NM_001276272.2); short protein forms K539N, K221N, K533N.
Identifiers: ClinVar variation 4052189 (VCV004052189.1).
Genomic context (GRCh38, chr3:129,432,551, plus strand): 5'-AGTGAGCCTCACCTGCTTCCACTCATTGACACAAAAAATTCGGTAAGAGTCGTTGCCATA[T>G]TTACCAATCCCATGAAGCTCAATTGGATACTTCCACTGCTTTGTCAGGTATTCATCTGAA-3'
Protein context (NP_001263199.1, residues 523-543): KYPIELHGIG[Lys533Asn]YGNDSYRIFC